The following is an entry in ClinVar:

NM_005589.4(ALDH6A1):c.427C>T (p.Gln143Ter)

Genes: ALDH6A1 (aldehyde dehydrogenase 6 family member A1; minus strand), BBOF1 (basal body orientation factor 1; plus strand). Cytogenetic location: 14q24.3.
Variant type: single nucleotide variant.
Coding change: c.427C>T on transcript NM_005589.4 (MANE Select); coding-DNA position 427, C replaced by T.
Protein change: p.Gln143Ter; replaces glutamine 143 with a stop codon.
Molecular consequence: nonsense. On other transcripts: 5 prime UTR variant (1).
Genome position (GRCh38, 1-based): chr14:74,071,896, G>A on the plus strand (C>T on the coding strand, the complement: ALDH6A1 is on the minus strand). VCF-style: chr14-74071896-G-A. GRCh37 (hg19) VCF-style: chr14-74538599-G-A.
Other names: c.388C>T, p.Gln130Ter (NM_001278593.2); c.-199C>T (NM_001278594.2); short protein forms Q130*, Q143*.
Identifiers: ClinVar variation 4849490 (VCV004849490.1).

ClinVar aggregate classification (germline): Likely pathogenic (1 of 4 stars; one submission).

Conditions:
Methylmalonate semialdehyde dehydrogenase deficiency (MMSDHD). Also called: MMSDH DEFICIENCY. Identifiers: Orphanet 289307, MedGen C3279840, MONDO:0013579, OMIM 614105.

Submission:

First Genomix Gene Laboratory, Genetic Diagnostics Department
Classification: Likely pathogenic for Methylmalonate semialdehyde dehydrogenase deficiency. Last evaluated: 2025-05-23. Review status: criteria provided, single submitter. Criteria: ACMG Guidelines, 2015. Collection method: clinical testing. Allele origin: germline. Inheritance: Autosomal recessive inheritance. Affected: no. Observed: 1 variant allele.